The following is an entry in ClinVar:

ClinVar aggregate classification (germline): Uncertain significance. Review status: criteria provided, multiple submitters, no conflicts (2 of 4 stars). 3 submissions from 3 submitters: Uncertain significance (3). Last evaluated 2023-12-14.

Conditions:
Hereditary breast ovarian cancer syndrome. Also called: BRCA1- and BRCA2-Associated Hereditary Breast and Ovarian Cancer; Breast and ovarian cancer; Hereditary breast and ovarian cancer syndrome; Hereditary breast and ovarian cancer; Hereditary breast and ovarian cancer syndrome (HBOC); Hereditary breast and/or ovarian cancer syndrome. Identifiers: Orphanet 145, MedGen C0677776, MeSH D061325, MONDO:0003582. Disease mechanism: loss of function.

Allele frequency attached by ClinVar (database versions not stated): gnomAD exomes below 0.00001 and 0.00001; TOPMed 0.00001; gnomAD 0.00002.
gnomAD v4.1: 17 of 1,613,938 alleles (0.0011%); highest among the groups gnomAD compares: Non-Finnish European, 0.0014%; no homozygotes.

Submissions (3):

Blueprint Genetics
Classification: Uncertain significance. Last evaluated: 2023-12-14. Review status: criteria provided, single submitter. Criteria: ACMG Guidelines, 2015. Collection method: clinical testing. Allele origin: germline.

Labcorp Genetics (formerly Invitae), Labcorp
Classification: Uncertain significance. Last evaluated: 2023-07-07. Review status: criteria provided, single submitter. Criteria: Invitae Variant Classification Sherloc (09022015). Collection method: clinical testing. Allele origin: germline.
Comment: In summary, the available evidence is currently insufficient to determine the role of this variant in disease. Therefore, it has been classified as a Variant of Uncertain Significance. An algorithm developed to predict the effect of missense changes on protein structure and function (PolyPhen-2) suggests that this variant is likely to be disruptive. ClinVar contains an entry for this variant (Variation ID: 981877). This variant has not been reported in the literature in individuals affected with LIFR-related conditions. This variant is present in population databases (no rsID available, gnomAD 0.002%). This sequence change replaces proline, which is neutral and non-polar, with leucine, which is neutral and non-polar, at codon 1030 of the LIFR protein (p.Pro1030Leu).

Molecular Oncology Research Center, Barretos Cancer Hospital
Classification: Uncertain significance for Hereditary breast ovarian cancer syndrome. Last evaluated: 2020-08-01. Review status: criteria provided, single submitter. Criteria: ACMG Guidelines, 2015. Collection method: research. Allele origin: germline. Affected: yes. Observed: 1 variant allele.

NM_001127671.2(LIFR):c.3089C>T (p.Pro1030Leu)

Gene: LIFR (LIF receptor subunit alpha; minus strand). Cytogenetic location: 5p13.1.
Variant type: single nucleotide variant.
Coding change: c.3089C>T on transcript NM_001127671.2 (MANE Select); coding-DNA position 3089, C replaced by T.
Protein change: p.Pro1030Leu; replaces proline 1030 with leucine.
Molecular consequence: missense variant.
Genome position (GRCh38, 1-based): chr5:38,481,800, G>A on the plus strand (C>T on the coding strand, the complement: LIFR is on the minus strand). VCF-style: chr5-38481800-G-A. GRCh37 (hg19) VCF-style: chr5-38481902-G-A.
Other names: c.3089C>T, p.Pro1030Leu (NM_001364297.2, NM_002310.6); c.3056C>T, p.Pro1019Leu (NM_001364298.2); short protein forms P1019L, P1030L.
Identifiers: ClinVar variation 981877 (VCV000981877.5), dbSNP rs1439167190, ClinGen allele CA359533507.